The following is an entry in ClinVar:

ClinVar aggregate classification (germline): Conflicting classifications of pathogenicity. Review status: criteria provided, conflicting classifications (1 of 4 stars). 2 submissions from 2 submitters: Pathogenic (1); Uncertain significance (1). Last evaluated 2025-09-08.

Conditions:
Cardiomyopathy (CMYO). Also called: Cardiomyopathies. Identifiers: Orphanet 167848, MedGen C0878544, MONDO:0004994, HP:0001638. Inheritance: Various modes of inheritance.
Arrhythmogenic right ventricular dysplasia 10. Also called: ARRHYTHMOGENIC RIGHT VENTRICULAR DYSPLASIA, FAMILIAL, 10; Arrhythmogenic right ventricular dysplasia/cardiomyopathy, type 10; Arrhythmogenic Right Ventricular Dysplasia/Cardiomyopathy10. Identifiers: MedGen C1857777, MONDO:0012434, OMIM 610193.

Submissions (2):

Color Diagnostics, LLC DBA Color Health
Classification: Uncertain significance for Cardiomyopathy. Last evaluated: 2025-09-08. Review status: criteria provided, single submitter. Criteria: ACMG Guidelines, 2015. Collection method: clinical testing. Allele origin: germline.
Comment: This variant inserts 4 nucleotides in exon 9 of the DSG2 gene, creating a frameshift and premature translation stop signal. This variant is expected to result in an absent or non-functional protein product. This variant has been reported in an individual affected with arrhythmogenic cardiomyopathy, who also carried a pathogenic truncation variant in the PKP2 gene (PMID: 39071538). This variant has not been identified in the general population by the Genome Aggregation Database (gnomAD). The role of loss-of-function DSG2 truncation variants in autosomal dominant cardiovascular disorders is not clearly understood. The available evidence is insufficient to determine the role of this variant in disease conclusively. Therefore, this variant is classified as a Variant of Uncertain Significance.

Labcorp Genetics (formerly Invitae), Labcorp
Classification: Pathogenic for Arrhythmogenic right ventricular dysplasia 10. Last evaluated: 2025-06-16. Review status: criteria provided, single submitter. Criteria: Invitae Variant Classification Sherloc (09022015). Collection method: clinical testing. Allele origin: germline.
Comment: This sequence change creates a premature translational stop signal (p.Ile353Cysfs*5) in the DSG2 gene. It is expected to result in an absent or disrupted protein product. Loss-of-function variants in DSG2 are known to be pathogenic (PMID: 17105751, 31386562). This variant is not present in population databases (gnomAD no frequency). This variant has not been reported in the literature in individuals affected with DSG2-related conditions. ClinVar contains an entry for this variant (Variation ID: 1429481). For these reasons, this variant has been classified as Pathogenic.

Literature cited by the submitters: PubMed 39071538 (cited by Color Diagnostics, LLC DBA Color Health); PubMed 17105751 (cited by Labcorp Genetics (formerly Invitae), Labcorp); PubMed 31386562 (cited by Labcorp Genetics (formerly Invitae), Labcorp).

NM_001943.5(DSG2):c.1053_1056dup (p.Ile353fs)

Gene: DSG2 (desmoglein 2; plus strand). Cytogenetic location: 18q12.1.
Variant type: Duplication.
Coding change: c.1053_1056dup on transcript NM_001943.5 (MANE Select); coding-DNA positions 1053 to 1056, 4 bases duplicated (TGTT; older notation c.1053_1056dupTGTT).
Protein change: p.Ile353fs; shifts the reading frame from isoleucine 353.
Molecular consequence: frameshift variant.
Genome position (GRCh38, 1-based): chr18:31,531,025-31,531,028, TGTT duplicated. VCF-style (leftmost placement, unchanged base first): chr18-31531024-G-GTGTT. GRCh37 (hg19) VCF-style: chr18-29110987-G-GTGTT.
Other names: short protein forms I353fs.
Identifiers: ClinVar variation 1429481 (VCV001429481.7), dbSNP rs2144332585, ClinGen allele CA2573155227.